The following is an entry in ClinVar:

ClinVar aggregate classification (germline): Uncertain significance (1 of 4 stars; one submission).

Conditions:
HYPERHOMOCYSTEINEMIA, THROMBOTIC, CBS-RELATED. Identifiers: MedGen C3150344, OMIM 236200.

Submission:

Labcorp Genetics (formerly Invitae), Labcorp
Classification: Uncertain significance for HYPERHOMOCYSTEINEMIA, THROMBOTIC, CBS-RELATED. Last evaluated: 2024-02-14. Review status: criteria provided, single submitter. Criteria: Invitae Variant Classification Sherloc (09022015). Collection method: clinical testing. Allele origin: germline.
Comment: This sequence change replaces valine, which is neutral and non-polar, with leucine, which is neutral and non-polar, at codon 425 of the CBS protein (p.Val425Leu). The frequency data for this variant in the population databases is considered unreliable, as metrics indicate poor data quality at this position in the gnomAD database. This variant has not been reported in the literature in individuals affected with CBS-related conditions. Advanced modeling of protein sequence and biophysical properties (such as structural, functional, and spatial information, amino acid conservation, physicochemical variation, residue mobility, and thermodynamic stability) performed at Invitae indicates that this missense variant is expected to disrupt CBS protein function with a positive predictive value of 80%. In summary, the available evidence is currently insufficient to determine the role of this variant in disease. Therefore, it has been classified as a Variant of Uncertain Significance.

NM_000071.3(CBS):c.1273G>C (p.Val425Leu)

Gene: CBS (cystathionine beta-synthase; minus strand). Cytogenetic location: 21q22.3.
Variant type: single nucleotide variant.
Coding change: c.1273G>C on transcript NM_000071.3 (MANE Select); coding-DNA position 1273, G replaced by C.
Protein change: p.Val425Leu; replaces valine 425 with leucine.
Molecular consequence: missense variant.
Genome position (GRCh38, 1-based): chr21:43,058,919, C>G on the plus strand (G>C on the coding strand, the complement: CBS is on the minus strand). VCF-style: chr21-43058919-C-G. GRCh37 (hg19) VCF-style: chr21-44479029-C-G.
Other names: c.1273G>C, p.Val425Leu (NM_001178008.3, NM_001178009.3, NM_001320298.2); c.958G>C, p.Val320Leu (NM_001321072.1); short protein forms V425L, V320L.
Identifiers: ClinVar variation 2772980 (VCV002772980.2), dbSNP rs138211175, ClinGen allele CA410397285.